The following is an entry in ClinVar:

NC_000019.9:g.(?_3595522)_(3600632_?)del

Gene: TBXA2R (thromboxane A2 receptor; minus strand). Cytogenetic location: 19p13.3.
Variant type: Deletion.
Identifiers: ClinVar variation 3242660 (VCV003242660.1).

ClinVar aggregate classification (germline): Uncertain significance (1 of 4 stars; one submission).

Submission:

Labcorp Genetics (formerly Invitae), Labcorp
Classification: Uncertain significance. Last evaluated: 2023-07-12. Review status: criteria provided, single submitter. Criteria: Invitae Variant Classification Sherloc (09022015). Collection method: clinical testing. Allele origin: unknown.
Comment: A gross deletion of the genomic region encompassing the full coding sequence of the TBXA2R gene has been identified. The current clinical and genetic evidence is not sufficient to establish whether loss-of-function variants in TBXA2R cause disease. The boundaries of this event are unknown as they extend beyond the assayed region for this gene and therefore may encompass additional genes. This variant has not been reported in the literature in individuals affected with TBXA2R-related conditions. Experimental studies and prediction algorithms are not available or were not evaluated, and the functional significance of this variant is currently unknown. In summary, the available evidence is currently insufficient to determine the role of this variant in disease. Therefore, it has been classified as a Variant of Uncertain Significance.